The following is an entry in ClinVar:

NM_001042492.3(NF1):c.7001del (p.Gly2334fs)

Gene: NF1 (neurofibromin 1; plus strand). Cytogenetic location: 17q11.2.
Variant type: Deletion.
Coding change: c.7001del on transcript NM_001042492.3 (MANE Select); coding-DNA position 7001, one base deleted (G; older notation c.7001delG).
Protein change: p.Gly2334fs; shifts the reading frame from glycine 2334.
Molecular consequence: frameshift variant.
Genome position (GRCh38, 1-based): chr17:31,340,584, G deleted; the last of 2 consecutive G bases (chr17:31,340,583-31,340,584); deleting either gives the same sequence. VCF-style (leftmost placement, unchanged base first): chr17-31340582-AG-A. GRCh37 (hg19) VCF-style: chr17-29667600-AG-A.
Other names: c.6938delG, p.Gly2313Valfs (NM_000267.4); short protein forms G2313fs, G2334fs.
Identifiers: ClinVar variation 3382208 (VCV003382208.2).

ClinVar aggregate classification (germline): Likely pathogenic (1 of 4 stars; one submission).

Conditions:
Neurofibromatosis, type 1 (NF1). Also called: Neurofibromatosis, type I; VON RECKLINGHAUSEN DISEASE; NEUROFIBROMATOSIS, TYPE I, SOMATIC; Peripheral type neurofibromatosis. Identifiers: Orphanet 636, MedGen C0027831, MONDO:0018975, OMIM 162200. Disease mechanism: loss of function.

Submission:

Juno Genomics, Hangzhou Juno Genomics, Inc
Classification: Likely pathogenic for Neurofibromatosis, type 1. Review status: criteria provided, single submitter. Criteria: ACMG Guidelines, 2015. Collection method: clinical testing. Allele origin: germline. Affected: yes.
Comment: Absent from controls (or at extremely low frequency if recessive) in Genome Aggregation Database, Exome Sequencing Project, 1000 Genomes Project, or Exome Aggregation Consortium.;Null variant in a gene where loss of function (LOF) is a known mechanism of disease.